The following is an entry in ClinVar:

ClinVar aggregate classification (germline): Uncertain significance. Review status: criteria provided, multiple submitters, no conflicts (2 of 4 stars). 2 submissions from 2 submitters: Uncertain significance (2). Last evaluated 2026-02-01.

gnomAD v4.1: 5 of 1,614,134 alleles (0.00031%); highest among the groups gnomAD compares: African/African-American, 0.0027%; no homozygotes.

Submissions (2):

CeGaT Center for Human Genetics Tuebingen
Classification: Uncertain significance. Last evaluated: 2026-02-01. Review status: criteria provided, single submitter. Criteria: CeGaT Center For Human Genetics Tuebingen Variant Classification Criteria Version 2. Collection method: clinical testing. Allele origin: germline. Affected: yes. Observed: 1 variant allele.

Labcorp Genetics (formerly Invitae), Labcorp
Classification: Uncertain significance. Last evaluated: 2025-03-09. Review status: criteria provided, single submitter. Criteria: Invitae Variant Classification Sherloc (09022015). Collection method: clinical testing. Allele origin: germline.
Comment: This sequence change replaces methionine, which is neutral and non-polar, with valine, which is neutral and non-polar, at codon 577 of the FOXP1 protein (p.Met577Val). The frequency data for this variant in the population databases is considered unreliable, as metrics indicate poor data quality at this position in the gnomAD database. This variant has not been reported in the literature in individuals affected with FOXP1-related conditions. Invitae Evidence Modeling of protein sequence and biophysical properties (such as structural, functional, and spatial information, amino acid conservation, physicochemical variation, residue mobility, and thermodynamic stability) indicates that this missense variant is not expected to disrupt FOXP1 protein function with a negative predictive value of 80%. In summary, the available evidence is currently insufficient to determine the role of this variant in disease. Therefore, it has been classified as a Variant of Uncertain Significance.

NM_001349338.3(FOXP1):c.1729A>G (p.Met577Val)

Gene: FOXP1 (forkhead box P1; minus strand). Cytogenetic location: 3p13.
Variant type: single nucleotide variant.
Coding change: c.1729A>G on transcript NM_001349338.3 (MANE Select); coding-DNA position 1729, A replaced by G.
Protein change: p.Met577Val; replaces methionine 577 with valine.
Molecular consequence: missense variant. On other transcripts: non-coding transcript variant (2).
Genome position (GRCh38, 1-based): chr3:70,966,050, T>C on the plus strand (A>G on the coding strand, the complement: FOXP1 is on the minus strand). VCF-style: chr3-70966050-T-C. GRCh37 (hg19) VCF-style: chr3-71015201-T-C.
Other names: c.1726A>G, p.Met576Val (NM_001244808.3, NM_001349341.3); c.1777A>G, p.Met593Val (NM_001244810.2); c.1501A>G, p.Met501Val (NM_001244812.3); c.1429A>G, p.Met477Val (NM_001244813.3, NM_001244815.2, NM_001349342.3); c.1729A>G, p.Met577Val (NM_001244814.3, NM_001244816.2, NM_001349340.3 and 1 more transcripts); c.1426A>G, p.Met476Val (NM_001349337.2, NM_001349343.3, NM_001349344.3 and 1 more transcripts); short protein forms M476V, M477V, M501V, M576V, M577V, M593V.
Identifiers: ClinVar variation 3614332 (VCV003614332.6).